The following is an entry in ClinVar:

NM_002500.5(NEUROD1):c.-60G>A

Gene: NEUROD1 (neuronal differentiation 1; minus strand). Cytogenetic location: 2q31.3.
Variant type: single nucleotide variant.
Coding change: c.-60G>A on transcript NM_002500.5 (MANE Select); 60 bases upstream of the start codon, G replaced by A.
Molecular consequence: 5 prime UTR variant. On other transcripts: non-coding transcript variant (2).
Genome position (GRCh38, 1-based): chr2:181,680,478, C>T on the plus strand (G>A on the coding strand, the complement: NEUROD1 is on the minus strand). VCF-style: chr2-181680478-C-T. GRCh37 (hg19) VCF-style: chr2-182545205-C-T.
Identifiers: ClinVar variation 333040 (VCV000333040.8), dbSNP rs189844846, ClinGen allele CA10613425.
Genomic context (GRCh38, chr2:181,680,478, plus strand): 5'-AACTGTAATTACCTTTGTTGTTAGTAGGTCCTGAGCAGTGATAGTCTCATAACCCTGGGG[C>T]CTCCGGACGCCGCGCCTCCTGCGTGGGCGAATTCCTCGTGTCGTGGCCGCGCGGGCGCTC-3'

ClinVar aggregate classification (germline): Likely benign. Review status: criteria provided, multiple submitters, no conflicts (2 of 4 stars). 2 submissions from 2 submitters: Likely benign (2). Last evaluated 2019-09-20.

Conditions:
Maturity-onset diabetes of the young type 6 (MODY6). Identifiers: Orphanet 552, MedGen C1853371, MONDO:0011668, OMIM 606394.

Allele frequency attached by ClinVar (database versions not stated): gnomAD 0.00421 and 0.00441; TOPMed 0.00440; 1000 Genomes Project 0.00459; 1000 Genomes Project 30x 0.00500.

Submissions (2):

GeneDx
Classification: Likely benign. Last evaluated: 2019-09-20. Review status: criteria provided, single submitter. Criteria: GeneDx Variant Classification Process June 2021. Collection method: clinical testing. Allele origin: germline. Affected: yes.

Illumina Laboratory Services, Illumina
Classification: Likely benign for Maturity-onset diabetes of the young type 6. Last evaluated: 2017-04-27. Review status: criteria provided, single submitter. Criteria: ICSL Variant Classification Criteria 13 December 2019. Collection method: clinical testing. Allele origin: germline.
Comment: This variant was observed as part of a predisposition screen in an ostensibly healthy population. A literature search was performed for the gene, cDNA change, and amino acid change (where applicable). No publications were found based on this search. Allele frequency data from public databases allowed determination this variant is unlikely to cause disease. Therefore, this variant is classified as likely benign.